The following is an entry in ClinVar:

ClinVar aggregate classification (germline): Uncertain significance (1 of 4 stars; one submission).

Conditions:
CHARGE syndrome (CHARGE). Also called: Hittner Hirsch Kreh syndrome; CHARGE ASSOCIATION--COLOBOMA, HEART ANOMALY, CHOANAL ATRESIA, RETARDATION, GENITAL AND EAR ANOMALIES; Coloboma, heart anomaly, choanal atresia, retardation, genital and ear anomalies; CHARGE association; Hall-Hittner syndrome. Identifiers: Orphanet 138, MedGen C0265354, MONDO:0008965.

Allele frequency attached by ClinVar (database versions not stated): gnomAD exomes below 0.00001; gnomAD 0.00001; TOPMed 0.00001.
gnomAD v4.1: 4 of 1,612,720 alleles (0.00025%); highest among the groups gnomAD compares: Non-Finnish European, 0.00034%; no homozygotes.

Submission:

Labcorp Genetics (formerly Invitae), Labcorp
Classification: Uncertain significance for CHARGE syndrome. Last evaluated: 2026-01-06. Review status: criteria provided, single submitter. Criteria: Invitae Variant Classification Sherloc (09022015). Collection method: clinical testing. Allele origin: germline.
Comment: This sequence change replaces glycine, which is neutral and non-polar, with glutamic acid, which is acidic and polar, at codon 54 of the SEMA3E protein (p.Gly54Glu). This variant is present in population databases (no rsID available, gnomAD 0.007%). This variant has not been reported in the literature in individuals affected with SEMA3E-related conditions. ClinVar contains an entry for this variant (Variation ID: 2769986). An algorithm developed to predict the effect of missense changes on protein structure and function (PolyPhen-2) suggests that this variant is likely to be disruptive. In summary, the available evidence is currently insufficient to determine the role of this variant in disease. Therefore, it has been classified as a Variant of Uncertain Significance.

NM_012431.3(SEMA3E):c.161G>A (p.Gly54Glu)

Gene: SEMA3E (semaphorin 3E; minus strand). Cytogenetic location: 7q21.11.
Variant type: single nucleotide variant.
Coding change: c.161G>A on transcript NM_012431.3 (MANE Select); coding-DNA position 161, G replaced by A.
Protein change: p.Gly54Glu; replaces glycine 54 with glutamic acid.
Molecular consequence: missense variant. On other transcripts: 5 prime UTR variant (1).
Genome position (GRCh38, 1-based): chr7:83,490,229, C>T on the plus strand (G>A on the coding strand, the complement: SEMA3E is on the minus strand). VCF-style: chr7-83490229-C-T. GRCh37 (hg19) VCF-style: chr7-83119545-C-T.
Other names: c.-20G>A (NM_001178129.2); short protein forms G54E.
Identifiers: ClinVar variation 2769986 (VCV002769986.3), dbSNP rs1428982411, ClinGen allele CA367937700.